The following is an entry in ClinVar:

ClinVar aggregate classification (germline): Conflicting classifications of pathogenicity. Review status: criteria provided, conflicting classifications (1 of 4 stars). 6 submissions from 6 submitters: Pathogenic (3); Likely pathogenic (2); Uncertain significance (1). Last evaluated 2025-11-12.

Conditions:
Neurodevelopmental-craniofacial syndrome with variable renal and cardiac abnormalities. Identifiers: MedGen C5561984, MONDO:0859190, OMIM 619522.
Inborn genetic diseases. Identifiers: MedGen C0950123, MeSH D030342.

Allele frequency attached by ClinVar (database versions not stated): gnomAD exomes below 0.00001.
gnomAD v4.1: 1 of 1,580,750 alleles (0.000063%); highest among the groups gnomAD compares: Non-Finnish European, 0.000086%; no homozygotes.

Submissions (6):

Dasa
Classification: Pathogenic. Last evaluated: 2025-11-12. Review status: criteria provided, single submitter. Criteria: DASA Assertion Criteria. Collection method: clinical testing. Allele origin: germline.
Comment: NM_197968.4(ZMYM2):c.1765C>T (p.Arg589*) introduces a premature termination codon predicted to result in loss of normal protein function. Loss-of-function is an established mechanism of disease for this gene. This variant has been reported in individuals with related phenotype (PMID: 34930662). The variant is present at low frequency in population datasets. Based on the available data, this variant is classified as pathogenic.

CeGaT Center for Human Genetics Tuebingen
Classification: Pathogenic. Last evaluated: 2025-06-01. Review status: criteria provided, single submitter. Criteria: CeGaT Center For Human Genetics Tuebingen Variant Classification Criteria Version 2. Collection method: clinical testing. Allele origin: germline. Affected: yes. Observed: 1 variant allele.
Comment: ZMYM2: PVS1, PM2, PS4:Supporting

Ambry Genetics
Classification: Pathogenic for Inborn genetic diseases. Last evaluated: 2024-08-28. Review status: criteria provided, single submitter. Criteria: Ambry Variant Classification Scheme 2023. Collection method: clinical testing. Allele origin: germline.
Comment: The c.1765C>T (p.R589*) alteration, located in exon 10 (coding exon 7) of the ZMYM2 gene, consists of a C to T substitution at nucleotide position 1765. This changes the amino acid from an arginine (R) to a stop codon at amino acid position 589. This alteration is expected to result in loss of function by premature protein truncation or nonsense-mediated mRNA decay. This variant was not reported in population-based cohorts in the Genome Aggregation Database (gnomAD). This variant was reported in an individual with a neurodevelopmental disorder and another individual with unspecified neonatal medical concerns (Stessman, 2017; Bowling, 2022). Based on the available evidence, this alteration is classified as pathogenic.

Greenwood Genetic Center Diagnostic Laboratories, Greenwood Genetic Center
Classification: Likely pathogenic for Neurodevelopmental-craniofacial syndrome with variable renal and cardiac abnormalities. Last evaluated: 2023-12-01. Review status: criteria provided, single submitter. Criteria: ACMG Guidelines, 2015. Collection method: clinical testing. Allele origin: germline. Affected: yes.
Comment: PVS1_Strong, PS4_Moderate, PM2

GeneDx
Classification: Likely pathogenic. Last evaluated: 2022-07-08. Review status: criteria provided, single submitter. Criteria: GeneDx Variant Classification Process June 2021. Collection method: clinical testing. Allele origin: germline. Affected: yes.
Comment: Identified in a patient with a neurodevelopmental disorder (Stessman et al., 2017); Nonsense variant predicted to result in protein truncation or nonsense mediated decay in a gene for which loss-of-function is a known mechanism of disease; Not observed at significant frequency in large population cohorts (gnomAD); This variant is associated with the following publications: (PMID: 27535533, 33004838, 28191889)

HudsonAlpha Institute for Biotechnology
Classification: Uncertain significance. Last evaluated: 2020-09-01. Review status: criteria provided, single submitter. Criteria: ACMG Guidelines, 2015. Collection method: research. Allele origin: unknown. Observed: 1 variant allele. Study: CSER-SouthSeq.
Comment: ACMG codes:PM2

Literature cited by the submitters: PubMed 34930662 (cited by Dasa and Ambry Genetics); PubMed 28191889 (cited by Ambry Genetics).

NM_197968.4(ZMYM2):c.1765C>T (p.Arg589Ter)

Gene: ZMYM2 (zinc finger MYM-type containing 2; plus strand). Cytogenetic location: 13q12.11.
Variant type: single nucleotide variant.
Coding change: c.1765C>T on transcript NM_197968.4 (MANE Select); coding-DNA position 1765, C replaced by T.
Protein change: p.Arg589Ter; replaces arginine 589 with a stop codon.
Molecular consequence: nonsense. On other transcripts: non-coding transcript variant (1).
Genome position (GRCh38, 1-based): chr13:20,027,232, C>T. VCF-style: chr13-20027232-C-T. GRCh37 (hg19) VCF-style: chr13-20601372-C-T.
Other names: c.1765C>T (NM_003453.3); c.1765C>T, p.Arg589Ter (NM_001190964.4, NM_001190965.4, NM_001353157.2 and 5 more transcripts); c.1570C>T, p.Arg524Ter (NM_001353161.3); c.1504C>T, p.Arg502Ter (NM_001353163.2); short protein forms R502*, R524*, R589*.
Identifiers: ClinVar variation 982430 (VCV000982430.16), dbSNP rs1952668177, ClinGen allele CA387672619.
Genomic context (GRCh38, chr13:20,027,232, plus strand): 5'-ACAAATCAGATATGTACCTTTTCTTTCCTAGGTTTGGGAATTATTTGCCATTTTTGTAAG[C>T]GAAACTCTTTACCTCAATACCAAGCCACAATGCCTGATGGAAAACTGTACAACTTTTGCA-3'